The following is an entry in ClinVar:

ClinVar aggregate classification (germline): Benign/Likely benign. Review status: criteria provided, multiple submitters, no conflicts (2 of 4 stars). 3 submissions from 3 submitters: Benign (1); Likely benign (2). Last evaluated 2025-03-14.

Conditions:
Hereditary cancer-predisposing syndrome. Also called: Neoplastic Syndromes, Hereditary; Tumor predisposition; Hereditary neoplastic syndrome; Hereditary Cancer Syndrome. Identifiers: Orphanet 140162, MedGen C0027672, MeSH D009386, MONDO:0015356.
Oligodontia-cancer predisposition syndrome. Also called: TOOTH AGENESIS-COLORECTAL CANCER SYNDROME. Identifiers: Orphanet 300576, MedGen C1837750, MONDO:0012075, OMIM 608615. Disease mechanism: loss of function.

Allele frequency attached by ClinVar (database versions not stated): gnomAD 0.00001.
gnomAD v4.1: 1 of 1,610,920 alleles (0.000062%); highest among the groups gnomAD compares: Admixed American, 0.0017%; no homozygotes.

Submissions (3):

Ambry Genetics
Classification: Likely benign for Hereditary cancer-predisposing syndrome. Last evaluated: 2025-03-14. Review status: criteria provided, single submitter. Criteria: Ambry Variant Classification Scheme 2023. Collection method: clinical testing. Allele origin: germline.

Myriad Genetics, Inc.
Classification: Benign for Oligodontia-cancer predisposition syndrome. Last evaluated: 2024-06-25. Review status: criteria provided, single submitter. Criteria: Myriad Autosomal Dominant, Autosomal Recessive and X-Linked Classification Criteria (2023). Collection method: clinical testing. Allele origin: unknown.
Comment: This variant is considered benign. This variant is a silent/synonymous amino acid change and it is not expected to impact splicing.

Labcorp Genetics (formerly Invitae), Labcorp
Classification: Likely benign for Oligodontia-cancer predisposition syndrome. Last evaluated: 2021-04-06. Review status: criteria provided, single submitter. Criteria: Invitae Variant Classification Sherloc (09022015). Collection method: clinical testing. Allele origin: germline.

NM_004655.4(AXIN2):c.243C>A (p.Ser81=)

Gene: AXIN2 (axin 2; minus strand). Cytogenetic location: 17q24.1.
Variant type: single nucleotide variant.
Coding change: c.243C>A on transcript NM_004655.4 (MANE Select); coding-DNA position 243, C replaced by A.
Protein change: p.Ser81=; no amino-acid change (serine 81 retained).
Molecular consequence: synonymous variant.
Genome position (GRCh38, 1-based): chr17:65,558,378, G>T on the plus strand (C>A on the coding strand, the complement: AXIN2 is on the minus strand). VCF-style: chr17-65558378-G-T. GRCh37 (hg19) VCF-style: chr17-63554496-G-T.
Other names: c.243C>A (NM_004655.3); c.243C>A, p.Ser81= (NM_001363813.1).
Identifiers: ClinVar variation 1388367 (VCV001388367.10), dbSNP rs573383663, ClinGen allele CA501691414.